The following is an entry in ClinVar:

ClinVar aggregate classification (germline): Pathogenic. Review status: criteria provided, multiple submitters, no conflicts (2 of 4 stars). 3 submissions from 3 submitters: Pathogenic (2). 1 of the submissions does not count toward it. Last evaluated 2022-08-09.

Conditions:
Hereditary spastic paraplegia 4. Also called: Spastic paraplegia 4, autosomal dominant; Familial spastic paraplegia autosomal dominant 2; Spastic Paraplegia 4. Identifiers: Orphanet 100985, MedGen C1866855, MONDO:0008438, OMIM 182601.

Submissions (3):

Labcorp Genetics (formerly Invitae), Labcorp
Classification: Pathogenic for Hereditary spastic paraplegia 4. Last evaluated: 2022-08-09. Review status: criteria provided, single submitter. Criteria: Invitae Variant Classification Sherloc (09022015). Collection method: clinical testing. Allele origin: germline.
Comment: This sequence change affects an acceptor splice site in intron 8 of the SPAST gene. It is expected to disrupt RNA splicing. Variants that disrupt the donor or acceptor splice site typically lead to a loss of protein function (PMID: 16199547), and loss-of-function variants in SPAST are known to be pathogenic (PMID: 20932283). For these reasons, this variant has been classified as Pathogenic. Algorithms developed to predict the effect of sequence changes on RNA splicing suggest that this variant may disrupt the consensus splice site. ClinVar contains an entry for this variant (Variation ID: 635759). Disruption of this splice site has been observed in individuals with hereditary spastic paraplegia (PMID: 18701882, 20562464, 21546041, 27942873). This variant is not present in population databases (gnomAD no frequency).

Paris Brain Institute, Inserm - ICM
Classification: Pathogenic for Hereditary spastic paraplegia 4. Review status: criteria provided, single submitter. Criteria: ACMG Guidelines, 2015. Collection method: clinical testing. Allele origin: unknown. Affected: yes. Observed: 2 variant alleles.

Oxford Medical Genetics Laboratories, Oxford University Hospitals NHS Foundation Trust
Classification: Likely pathogenic for Hereditary spastic paraplegia 4. Last evaluated: 2019-05-03. Review status: no assertion criteria provided. Collection method: clinical testing. Allele origin: de novo. Affected: yes. Not counted in ClinVar's aggregate classification.

Literature cited by the submitters: PubMed 16199547 (cited by Labcorp Genetics (formerly Invitae), Labcorp); PubMed 20932283 (cited by Labcorp Genetics (formerly Invitae), Labcorp); PubMed 18701882 (cited by Labcorp Genetics (formerly Invitae), Labcorp); PubMed 20562464 (cited by Labcorp Genetics (formerly Invitae), Labcorp); PubMed 21546041 (cited by Labcorp Genetics (formerly Invitae), Labcorp); PubMed 27942873 (cited by Labcorp Genetics (formerly Invitae), Labcorp).

NM_014946.4(SPAST):c.1174-1G>A

Gene: SPAST (spastin; plus strand). Cytogenetic location: 2p22.3.
Variant type: single nucleotide variant.
Coding change: c.1174-1G>A on transcript NM_014946.4 (MANE Select); the canonical splice acceptor site of the intron before coding-DNA position 1174, G replaced by A.
Molecular consequence: splice acceptor variant.
Genome position (GRCh38, 1-based): chr2:32,128,407, G>A. VCF-style: chr2-32128407-G-A. GRCh37 (hg19) VCF-style: chr2-32353476-G-A.
Other names: c.1078-1G>A (NM_199436.2, NM_001377959.1); c.1171-1G>A (NM_001363823.2); c.1075-1G>A (NM_001363875.2).
Identifiers: ClinVar variation 635759 (VCV000635759.12), dbSNP rs1553317024, ClinGen allele CA346501358.